The following is an entry in ClinVar:

ClinVar aggregate classification (germline): Uncertain significance (1 of 4 stars; one submission).

Allele frequency attached by ClinVar (database versions not stated): gnomAD exomes below 0.00001; ExAC 0.00001; gnomAD 0.00001.
gnomAD v4.1: 1 of 1,613,860 alleles (0.000062%); highest among the groups gnomAD compares: Non-Finnish European, 0.000085%; no homozygotes.

Submission:

Labcorp Genetics (formerly Invitae), Labcorp
Classification: Uncertain significance. Last evaluated: 2022-07-05. Review status: criteria provided, single submitter. Criteria: Invitae Variant Classification Sherloc (09022015). Collection method: clinical testing. Allele origin: germline.
Comment: In summary, the available evidence is currently insufficient to determine the role of this variant in disease. Therefore, it has been classified as a Variant of Uncertain Significance. Algorithms developed to predict the effect of missense changes on protein structure and function (SIFT, PolyPhen-2, Align-GVGD) all suggest that this variant is likely to be tolerated. ClinVar contains an entry for this variant (Variation ID: 1401048). This variant has not been reported in the literature in individuals affected with FAM161A-related conditions. This variant is present in population databases (rs757288565, gnomAD 0.0009%). This sequence change replaces glutamine, which is neutral and polar, with histidine, which is basic and polar, at codon 56 of the FAM161A protein (p.Gln56His).

NM_001201543.2(FAM161A):c.168G>T (p.Gln56His)

Genes: FAM161A (FAM161 centrosomal protein A; minus strand), LOC129933843 (ATAC-STARR-seq lymphoblastoid active region 15839; plus strand). Cytogenetic location: 2p15.
Variant type: single nucleotide variant.
Coding change: c.168G>T on transcript NM_001201543.2 (MANE Select); coding-DNA position 168, G replaced by T.
Protein change: p.Gln56His; replaces glutamine 56 with histidine.
Molecular consequence: missense variant. On other transcripts: non-coding transcript variant (1).
Genome position (GRCh38, 1-based): chr2:61,853,874, C>A on the plus strand (G>T on the coding strand, the complement: FAM161A is on the minus strand). VCF-style: chr2-61853874-C-A. GRCh37 (hg19) VCF-style: chr2-62081009-C-A.
Other names: c.168G>T, p.Gln56His (NM_032180.3); short protein forms Q56H.
Identifiers: ClinVar variation 1401048 (VCV001401048.8), dbSNP rs757288565, ClinGen allele CA1679435.
Genomic context (GRCh38, chr2:61,853,874, plus strand): 5'-CCCAGCCCATGCGAGGTCCCAGCCCAAGTCCCGCCCCAGTATTACCGATGCCCCAGCGGG[C>A]TGAGCCACTTTCTCCTCCTCTTCGTCCTCCAAGATCGCCTCCGCTGCCGCCAGGGCCTTT-3'
Protein context (NP_001188472.1, residues 46-66): LEDEEEEKVA[Gln56His]PAGASADLNT